The following is an entry in ClinVar:

NM_000117.3(EMD):c.130C>T (p.Gln44Ter)

Gene: EMD (emerin; plus strand). Cytogenetic location: Xq28.
Variant type: single nucleotide variant.
Coding change: c.130C>T on transcript NM_000117.3 (MANE Select); coding-DNA position 130, C replaced by T.
Protein change: p.Gln44Ter; replaces glutamine 44 with a stop codon.
Molecular consequence: nonsense.
Genome position (GRCh38, 1-based): chrX:154,379,737, C>T. VCF-style: chrX-154379737-C-T. GRCh37 (hg19) VCF-style: chrX-153608097-C-T.
Other names: Q43*; NP_000108.1:p.Gln44*; short protein forms Q44*.
Identifiers: ClinVar variation 11176 (VCV000011176.14), dbSNP rs132630262, ClinGen allele CA121384.
Genomic context (GRCh38, chrX:154,379,737, plus strand): 5'-CGTGTCCGGCCAGGATCAACTCGTAGGCTTTACGAGAAGAAGATCTTCGAGTACGAGACC[C>T]AGAGGCGGCGGCTCTCGCCCCCCAGCTCGTCCGCCGCCTCCTCTTATAGCTTCTCTGGTG-3'

ClinVar aggregate classification (germline): Pathogenic. Review status: criteria provided, multiple submitters, no conflicts (2 of 4 stars). 7 submissions from 7 submitters: Pathogenic (6). 1 of the submissions does not count toward it. Last evaluated 2025-09-26.

Conditions:
Emery-Dreifuss muscular dystrophy 1, X-linked (EDMD1). Also called: EMD-Related Emery-Dreifuss Muscular Dystrophy, X-Linked; Muscular dystrophy, tardive, Dreifuss-Emery type, with contractures; SCAPULOPERONEAL SYNDROME, X-LINKED; HUMEROPERONEAL NEUROMUSCULAR DISEASE. Identifiers: MedGen CN375556, MONDO:0100531, OMIM 310300.
Cardiovascular phenotype. Identifiers: MedGen CN230736.
X-linked Emery-Dreifuss muscular dystrophy. Also called: Muscular dystrophy, tardive Emery-Dreifuss type, with contractures. Identifiers: Orphanet 261, Orphanet 98863, MedGen C0751337, MONDO:0010680.

Allele frequency attached by ClinVar (database versions not stated): gnomAD exomes below 0.00001.

Submissions (7):

3billion
Classification: Pathogenic for Emery-Dreifuss muscular dystrophy 1, X-linked. Last evaluated: 2025-09-26. Review status: criteria provided, single submitter. Criteria: ACMG Guidelines, 2015. Collection method: clinical testing. Allele origin: germline. Affected: yes.
Comment: The variant is observed at an extremely low frequency in the gnomAD v4.1.0 dataset (total allele frequency: <0.001%). Predicted Consequence/Location: Stop-gained (nonsense): predicted to result in a loss or disruption of normal protein function through nonsense-mediated decay (NMD) or protein truncation. Multiple pathogenic variants are reported downstream of the variant. The variant has been reported at least twice as pathogenic with clinical assertions and evidence for the classification (ClinVar ID: VCV000011176 /PMID: 8595406). Therefore, this variant is classified as Pathogenic according to the recommendation of ACMG/AMP guideline.

Labcorp Genetics (formerly Invitae), Labcorp
Classification: Pathogenic for X-linked Emery-Dreifuss muscular dystrophy. Last evaluated: 2025-06-22. Review status: criteria provided, single submitter. Criteria: Invitae Variant Classification Sherloc (09022015). Collection method: clinical testing. Allele origin: germline.
Comment: This sequence change creates a premature translational stop signal (p.Gln44*) in the EMD gene. It is expected to result in an absent or disrupted protein product. Loss-of-function variants in EMD are known to be pathogenic (PMID: 24365856). This variant is not present in population databases (gnomAD no frequency). This premature translational stop signal has been observed in individual(s) with Emery-Dreifuss muscular dystrophy (PMID: 8595406). This variant is also known as 188C>T. ClinVar contains an entry for this variant (Variation ID: 11176). For these reasons, this variant has been classified as Pathogenic.

GeneDx
Classification: Pathogenic. Last evaluated: 2023-04-25. Review status: criteria provided, single submitter. Criteria: GeneDx Variant Classification Process June 2021. Collection method: clinical testing. Allele origin: germline. Affected: yes.
Comment: Not observed in large population cohorts (gnomAD); Nonsense variant predicted to result in protein truncation or nonsense mediated decay in a gene for which loss-of-function is a known mechanism of disease; This variant is associated with the following publications: (PMID: 21993399, 30079154, 31718017, 10377322, 9472006, 9536090, 31683627, 8595406, 21697856, 10382909)

Ambry Genetics
Classification: Pathogenic for Cardiovascular phenotype. Last evaluated: 2020-11-17. Review status: criteria provided, single submitter. Criteria: Ambry Variant Classification Scheme 2023. Collection method: clinical testing. Allele origin: germline.
Comment: The p.Q44* pathogenic mutation (also known as c.130C>T), located in coding exon 2 of the EMD gene, results from a C to T substitution at nucleotide position 130. This mutation has been detected in males affected with Emery-Dreifuss muscular dystrophy, including several from a single family, as well as in at least one carrier female with cardiac findings (Brown CA et al. J Hum Genet, 2011 Aug;56:589-94; Carboni N et al. Neuromuscul Disord, 2012 Feb;22:152-8; Viggiano E et al. Genes (Basel), 2019 11;10:[Epub ahead of print]). In addition to the clinical data presented in the literature, this changes the amino acid from a glutamine to a stop codon within coding exon 2. This alteration is expected to result in loss of function by premature protein truncation or nonsense-mediated mRNA decay. As such, this alteration is interpreted as a disease-causing mutation.

Molecular Diagnostics Lab, Nemours Children's Health, Delaware
Classification: Pathogenic. Last evaluated: 2016-07-25. Review status: criteria provided, single submitter. Criteria: ACMG Guidelines, 2015. Collection method: clinical testing. Allele origin: unknown. Affected: yes. Observed: 2 heterozygotes.

Eurofins Ntd Llc (ga)
Classification: Pathogenic. Last evaluated: 2013-09-10. Review status: criteria provided, single submitter. Criteria: EGL Classification Definitions 2015. Collection method: clinical testing. Allele origin: germline. Observed: 1 variant allele, 1 hemizygote.

OMIM
Classification: Pathogenic for EMERY-DREIFUSS MUSCULAR DYSTROPHY, X-LINKED. Last evaluated: 1995-10-01. Review status: no assertion criteria provided. Collection method: literature only. Allele origin: germline. Not counted in ClinVar's aggregate classification.

Literature cited by the submitters: PubMed 8595406 (cited by 5 submitters); PubMed 24365856 (cited by Labcorp Genetics (formerly Invitae), Labcorp); PubMed 21697856 (cited by Ambry Genetics); PubMed 21993399 (cited by Ambry Genetics); PubMed 30079154 (cited by Ambry Genetics); PubMed 31718017 (cited by Ambry Genetics).